The following is an entry in ClinVar:

ClinVar aggregate classification (germline): Uncertain significance (1 of 4 stars; one submission).

Conditions:
Progressive myoclonic epilepsy type 9. Identifiers: Orphanet 457265, MedGen C4225289, MONDO:0014685, OMIM 616540.
Lipodystrophy, partial, acquired, susceptibility to (APLD). Also called: APLD, SUSCEPTIBILITY TO. Identifiers: MedGen C3887501, MONDO:0100476, OMIM 608709.

Submission:

Labcorp Genetics (formerly Invitae), Labcorp
Classification: Uncertain significance for Progressive myoclonic epilepsy type 9; Lipodystrophy, partial, acquired, susceptibility to. Last evaluated: 2024-05-26. Review status: criteria provided, single submitter. Criteria: Invitae Variant Classification Sherloc (09022015). Collection method: clinical testing. Allele origin: germline.
Comment: This sequence change replaces glutamic acid, which is acidic and polar, with lysine, which is basic and polar, at codon 600 of the LMNB2 protein (p.Glu600Lys). This variant is present in population databases (rs774839570, gnomAD 0.01%). This variant has not been reported in the literature in individuals affected with LMNB2-related conditions. An algorithm developed to predict the effect of missense changes on protein structure and function (PolyPhen-2) suggests that this variant is likely to be disruptive. In summary, the available evidence is currently insufficient to determine the role of this variant in disease. Therefore, it has been classified as a Variant of Uncertain Significance.

NM_032737.4(LMNB2):c.1798G>A (p.Glu600Lys)

Gene: LMNB2 (lamin B2; minus strand). Cytogenetic location: 19p13.3.
Variant type: single nucleotide variant.
Coding change: c.1798G>A on transcript NM_032737.4 (MANE Select); coding-DNA position 1798, G replaced by A.
Protein change: p.Glu600Lys; replaces glutamic acid 600 with lysine.
Molecular consequence: missense variant.
Genome position (GRCh38, 1-based): chr19:2,431,571, C>T on the plus strand (G>A on the coding strand, the complement: LMNB2 is on the minus strand). VCF-style: chr19-2431571-C-T. GRCh37 (hg19) VCF-style: chr19-2431569-C-T.
Other names: short protein forms E600K.
Identifiers: ClinVar variation 3758330 (VCV003758330.2).